The following is an entry in ClinVar:

NM_003126.4(SPTA1):c.781T>C (p.Ser261Pro)

Gene: SPTA1 (spectrin alpha, erythrocytic 1; minus strand). Cytogenetic location: 1q23.1.
Variant type: single nucleotide variant.
Coding change: c.781T>C on transcript NM_003126.4 (MANE Select); coding-DNA position 781, T replaced by C.
Protein change: p.Ser261Pro; replaces serine 261 with proline.
Molecular consequence: missense variant.
Genome position (GRCh38, 1-based): chr1:158,678,432, A>G on the plus strand (T>C on the coding strand, the complement: SPTA1 is on the minus strand). VCF-style: chr1-158678432-A-G. GRCh37 (hg19) VCF-style: chr1-158648222-A-G.
Other names: short protein forms S261P.
Identifiers: ClinVar variation 12848 (VCV000012848.9), dbSNP rs121918636, ClinGen allele CA122751.
Genomic context (GRCh38, chr1:158,678,432, plus strand): 5'-TTTCTATAAAGCAGTGGCCAGATCCATACCTTTTGAATCGTTGTAAGTTTGCAGCATTGG[A>G]CAGAGCTTTCTGTCTCTGGAGAGCCAAACCACGAAGGCGCTCCCAGGCAGCATTCACCTC-3'
Protein context (NP_003117.2, residues 251-271): GLALQRQKAL[Ser261Pro]NAANLQRFKR

ClinVar aggregate classification (germline): Conflicting classifications of pathogenicity. Review status: criteria provided, conflicting classifications (1 of 4 stars). 3 submissions from 3 submitters: Likely pathogenic (1); Uncertain significance (1). 1 of the submissions does not count toward it. Last evaluated 2023-10-23.

Conditions:
Elliptocytosis 2 (EL2). Also called: ELLIPTOCYTOSIS, RHESUS-UNLINKED TYPE. Identifiers: Orphanet 288, MedGen C1851741, MONDO:0007533, OMIM 130600.

Allele frequency attached by ClinVar (database versions not stated): gnomAD exomes below 0.00001; TOPMed 0.00001; ExAC 0.00002; gnomAD 0.00003; 1000 Genomes Project 30x 0.00016; 1000 Genomes Project 0.00020.
gnomAD v4.1: 8 of 1,613,780 alleles (0.0005%); highest among the groups gnomAD compares: African/African-American, 0.0093%; no homozygotes.

Submissions (3):

Labcorp Genetics (formerly Invitae), Labcorp
Classification: Uncertain significance. Last evaluated: 2023-10-23. Review status: criteria provided, single submitter. Criteria: Invitae Variant Classification Sherloc (09022015). Collection method: clinical testing. Allele origin: germline.
Comment: This sequence change replaces serine, which is neutral and polar, with proline, which is neutral and non-polar, at codon 261 of the SPTA1 protein (p.Ser261Pro). This variant is present in population databases (rs121918636, gnomAD 0.007%). This missense change has been observed in individual(s) with SPTA1-related disorders (PMID: 2794061, 29729090). In at least one individual the data is consistent with being in trans (on the opposite chromosome) from a pathogenic variant. It has also been observed to segregate with disease in related individuals. This variant is also known as p.Ser255Pro. ClinVar contains an entry for this variant (Variation ID: 12848). Advanced modeling of protein sequence and biophysical properties (such as structural, functional, and spatial information, amino acid conservation, physicochemical variation, residue mobility, and thermodynamic stability) has been performed at Invitae for this missense variant, however the output from this modeling did not meet the statistical confidence thresholds required to predict the impact of this variant on SPTA1 protein function. In summary, the available evidence is currently insufficient to determine the role of this variant in disease. Therefore, it has been classified as a Variant of Uncertain Significance.

Mayo Clinic Laboratories, Mayo Clinic
Classification: Likely pathogenic. Last evaluated: 2022-08-25. Review status: criteria provided, single submitter. Criteria: ACMG Guidelines, 2015. Collection method: clinical testing. Allele origin: germline. Observed: 5 variant alleles.
Comment: PS4_moderate, PM2, PP1, PP5

OMIM
Classification: Pathogenic for ELLIPTOCYTOSIS 2. Last evaluated: 1989-10-01. Review status: no assertion criteria provided. Collection method: literature only. Allele origin: germline. Not counted in ClinVar's aggregate classification.

Literature cited by the submitters: PubMed 2794061 (cited by Labcorp Genetics (formerly Invitae), Labcorp and OMIM); PubMed 29729090 (cited by Labcorp Genetics (formerly Invitae), Labcorp); PubMed 3597773 (cited by OMIM).